The following is an entry in ClinVar:

NM_015466.4(PTPN23):c.4487G>C (p.Ser1496Thr)

Gene: PTPN23 (protein tyrosine phosphatase non-receptor type 23; plus strand). Cytogenetic location: 3p21.31.
Variant type: single nucleotide variant.
Coding change: c.4487G>C on transcript NM_015466.4 (MANE Select); coding-DNA position 4487, G replaced by C.
Protein change: p.Ser1496Thr; replaces serine 1496 with threonine.
Molecular consequence: missense variant.
Genome position (GRCh38, 1-based): chr3:47,412,761, G>C. VCF-style: chr3-47412761-G-C. GRCh37 (hg19) VCF-style: chr3-47454251-G-C.
Other names: c.4109G>C, p.Ser1370Thr (NM_001304482.2); short protein forms S1370T, S1496T.
Identifiers: ClinVar variation 1418061 (VCV001418061.8), dbSNP rs1263826933, ClinGen allele CA352567837.
Genomic context (GRCh38, chr3:47,412,761, plus strand): 5'-CTCAGAACCACCTTCCTCAGGACTCCCAGGACCTGGTCCTCGGTGGGGATGTGCCCATCA[G>C]CTCCATCCAGGCCACCATTGCCAAGCTCAGCATTCGGCCTCCTGGGGGGTTGGAGTCCCC-3'
Protein context (NP_056281.1, residues 1486-1506): DLVLGGDVPI[Ser1496Thr]SIQATIAKLS

ClinVar aggregate classification (germline): Uncertain significance (1 of 4 stars; one submission).

Allele frequency attached by ClinVar (database versions not stated): gnomAD exomes below 0.00001.
gnomAD v4.1: 2 of 1,611,606 alleles (0.00012%); highest among the groups gnomAD compares: Non-Finnish European, 0.00017%; no homozygotes.

Submission:

Labcorp Genetics (formerly Invitae), Labcorp
Classification: Uncertain significance. Last evaluated: 2021-03-29. Review status: criteria provided, single submitter. Criteria: Invitae Variant Classification Sherloc (09022015). Collection method: clinical testing. Allele origin: germline.
Comment: In summary, the available evidence is currently insufficient to determine the role of this variant in disease. Therefore, it has been classified as a Variant of Uncertain Significance. Algorithms developed to predict the effect of missense changes on protein structure and function are either unavailable or do not agree on the potential impact of this missense change (SIFT: "Tolerated"; PolyPhen-2: "Probably Damaging"; Align-GVGD: "Class C0"). This variant has not been reported in the literature in individuals with PTPN23-related conditions. This variant is not present in population databases (ExAC no frequency). This sequence change replaces serine with threonine at codon 1496 of the PTPN23 protein (p.Ser1496Thr). The serine residue is weakly conserved and there is a small physicochemical difference between serine and threonine.